The following is an entry in ClinVar:

ClinVar aggregate classification (germline): Uncertain significance (1 of 4 stars; one submission).

Conditions:
Hereditary pancreatitis (PCTT). Also called: Hereditary chronic pancreatitis; PRSS1-Related Hereditary Pancreatitis. Identifiers: Orphanet 676, MedGen C0238339, MONDO:0008185, OMIM 167800.

gnomAD v4.1: 2 of 1,613,776 alleles (0.00012%); highest among the groups gnomAD compares: Non-Finnish European, 0.00017%; no homozygotes.

Submission:

Ambry Genetics
Classification: Uncertain significance for Hereditary pancreatitis. Last evaluated: 2025-09-01. Review status: criteria provided, single submitter. Criteria: Ambry Variant Classification Scheme 2023. Collection method: clinical testing. Allele origin: germline.
Comment: The p.K223R variant (also known as c.668A>G), located in coding exon 5 of the PRSS1 gene, results from an A to G substitution at nucleotide position 668. The lysine at codon 223 is replaced by arginine, an amino acid with highly similar properties. This amino acid position is conserved. In addition, this alteration is predicted to be tolerated by in silico analysis. Based on the available evidence, the clinical significance of this variant remains unclear.

NM_002769.5(PRSS1):c.668A>G (p.Lys223Arg)

Genes: PRSS1 (serine protease 1; plus strand), TRB (T cell receptor beta locus; plus strand). Cytogenetic location: 7q34.
Variant type: single nucleotide variant.
Coding change: c.668A>G on transcript NM_002769.5 (MANE Select); coding-DNA position 668, A replaced by G.
Protein change: p.Lys223Arg; replaces lysine 223 with arginine.
Molecular consequence: missense variant. On other transcripts: non-coding transcript variant (5).
Genome position (GRCh38, 1-based): chr7:142,752,944, A>G. VCF-style: chr7-142752944-A-G. GRCh37 (hg19) VCF-style: chr7-142460795-A-G.
Other names: short protein forms K223R.
Identifiers: ClinVar variation 4145708 (VCV004145708.1).
Genomic context (GRCh38, chr7:142,752,944, plus strand): 5'-CTGTGGTCTGCAATGGACAGCTCCAAGGAGTTGTCTCCTGGGGTGATGGCTGTGCCCAGA[A>G]GAACAAGCCTGGAGTCTACACCAAGGTCTACAACTATGTGAAATGGATTAAGAACACCAT-3'
Protein context (NP_002760.1, residues 213-233): VVSWGDGCAQ[Lys223Arg]NKPGVYTKVY